The following is an entry in ClinVar:

ClinVar aggregate classification (germline): Likely pathogenic (1 of 4 stars; one submission).

Conditions:
Mucopolysaccharidosis, MPS-II (MPS2). Also called: Hunter Syndrome; IDURONATE 2-SULFATASE DEFICIENCY; Mucopolysaccharidosis Type II; Mucopolysaccharidosis type 2; Attenuated MPS (subtype; formerly known as mild MPS II); Severe MPS II. Identifiers: Orphanet 580, Orphanet 79388, MedGen C0026705, MONDO:0010674, OMIM 309900.

Submission:

Laboratory of Diagnosis and Therapy of Lysosomal Disorders, University of Padova
Classification: Likely pathogenic for Mucopolysaccharidosis, MPS-II. Last evaluated: 2024-06-07. Review status: criteria provided, single submitter. Criteria: ACMG Guidelines, 2015. Collection method: literature only. Allele origin: germline. Affected: yes. Observed: 3 variant alleles.
Comment: Absent from controls (or at low frequency) in gnomAD database (PM2_Moderate), Missense variant in a gene with a low rate of benign missense variation (PP2_Supporting), Multiple lines of computational evidence support a deleterious effect (PP3_Supporting), Patient’s phenotype or family history highly specific for the disease (PP4_Strong)

Classification method: ACMG Guidelines [PMID:25741868] with modifications

Literature cited by the submitters: PubMed 10671065; PubMed 27246110; PubMed 9442913.

NM_000202.8(IDS):c.1042T>C (p.Tyr348His)

Genes: IDS (iduronate 2-sulfatase; minus strand), LOC106050102 (IDS recombination region; plus strand). Cytogenetic location: Xq28.
Variant type: single nucleotide variant.
Coding change: c.1042T>C on transcript NM_000202.8 (MANE Select); coding-DNA position 1042, T replaced by C.
Protein change: p.Tyr348His; replaces tyrosine 348 with histidine.
Molecular consequence: missense variant.
Genome position (GRCh38, 1-based): chrX:149,487,063, A>G on the plus strand (T>C on the coding strand, the complement: IDS is on the minus strand). VCF-style: chrX-149487063-A-G. GRCh37 (hg19) VCF-style: chrX-148568594-A-G.
Other names: c.772T>C, p.Tyr258His (NM_001166550.4); short protein forms Y258H, Y348H.
Identifiers: ClinVar variation 3255946 (VCV003255946.2).
Genomic context (GRCh38, chrX:149,487,063, plus strand): 5'-CCGTCCTTCCAGGAACATAGAATATCAGGGGAACATGGGTAGCAACATCAAAATTGCTGT[A>G]TTTGGCCCATTCTCCATGTTCACCTAGAGCCCACCCTAGTTCATAAAAAGCACAGAATGA-3'
Protein context (NP_000193.1, residues 338-358): ALGEHGEWAK[Tyr348His]SNFDVATHVP